The following is an entry in ClinVar:

NM_173728.4(ARHGEF15):c.563C>A (p.Pro188His)

Gene: ARHGEF15 (Rho guanine nucleotide exchange factor 15; plus strand). Cytogenetic location: 17p13.1.
Variant type: single nucleotide variant.
Coding change: c.563C>A on transcript NM_173728.4 (MANE Select); coding-DNA position 563, C replaced by A.
Protein change: p.Pro188His; replaces proline 188 with histidine.
Molecular consequence: missense variant.
Genome position (GRCh38, 1-based): chr17:8,312,602, C>A. VCF-style: chr17-8312602-C-A. GRCh37 (hg19) VCF-style: chr17-8215920-C-A.
Other names: c.563C>A, p.Pro188His (NM_025014.2); short protein forms P188H.
Identifiers: ClinVar variation 1386991 (VCV001386991.9), dbSNP rs142622501, ClinGen allele CA8374883.

ClinVar aggregate classification (germline): Uncertain significance (1 of 4 stars; one submission).

Conditions:
Early-infantile DEE. Also called: Ohtahara syndrome; Early infantile epileptic encephalopathy; Early infantile epileptic encephalopathy with suppression bursts. Identifiers: Orphanet 1934, MedGen C0393706, MONDO:0800491.

Allele frequency attached by ClinVar (database versions not stated): gnomAD 0.00001; gnomAD exomes 0.00002 and 0.00006; ExAC 0.00004; ESP Exome Variant Server 0.00008.
gnomAD v4.1: 81 of 1,612,826 alleles (0.005%); highest among the groups gnomAD compares: Non-Finnish European, 0.0067%; no homozygotes.

Submission:

Labcorp Genetics (formerly Invitae), Labcorp
Classification: Uncertain significance for Early-infantile DEE. Last evaluated: 2022-07-26. Review status: criteria provided, single submitter. Criteria: Invitae Variant Classification Sherloc (09022015). Collection method: clinical testing. Allele origin: germline.
Comment: This sequence change replaces proline, which is neutral and non-polar, with histidine, which is basic and polar, at codon 188 of the ARHGEF15 protein (p.Pro188His). This variant is present in population databases (rs142622501, gnomAD 0.005%). This variant has not been reported in the literature in individuals affected with ARHGEF15-related conditions. ClinVar contains an entry for this variant (Variation ID: 1386991). Algorithms developed to predict the effect of missense changes on protein structure and function are either unavailable or do not agree on the potential impact of this missense change (SIFT: "Tolerated"; PolyPhen-2: "Possibly Damaging"; Align-GVGD: "Class C0"). In summary, the available evidence is currently insufficient to determine the role of this variant in disease. Therefore, it has been classified as a Variant of Uncertain Significance.